The following is an entry in ClinVar:

NM_002838.5(PTPRC):c.3889C>T (p.Pro1297Ser)

Gene: PTPRC (protein tyrosine phosphatase receptor type C; plus strand). Cytogenetic location: 1q32.1.
Variant type: single nucleotide variant.
Coding change: c.3889C>T on transcript NM_002838.5 (MANE Select); coding-DNA position 3889, C replaced by T.
Protein change: p.Pro1297Ser; replaces proline 1297 with serine.
Molecular consequence: missense variant.
Genome position (GRCh38, 1-based): chr1:198,756,149, C>T. VCF-style: chr1-198756149-C-T. GRCh37 (hg19) VCF-style: chr1-198725278-C-T.
Other names: c.3406C>T, p.Pro1136Ser (NM_080921.4); short protein forms P1297S, P1136S.
Identifiers: ClinVar variation 1490312 (VCV001490312.6), dbSNP rs2102560805, ClinGen allele CA344056385.
Genomic context (GRCh38, chr1:198,756,149, plus strand): 5'-CAGGCTGAAGGTTCTGAACCCACGAGTGGCACTGAGGGGCCAGAACATTCTGTCAATGGT[C>T]CTGCAAGTCCAGCTTTAAATCAAGGTTCATAGGAAAAGACATAAATGAGGAAACTCCAAA-3'
Protein context (NP_002829.3, residues 1287-1306): TEGPEHSVNG[Pro1297Ser]ASPALNQGS

ClinVar aggregate classification (germline): Uncertain significance (1 of 4 stars; one submission).

Conditions:
Immunodeficiency 104. Also called: SCID, AUTOSOMAL RECESSIVE, T CELL-NEGATIVE, B CELL-POSITIVE, NK CELL-POSITIVE; Severe Combined Immune Deficiency, Autosomal Recessive, TCell -Negative, B Cell-Positive, NK Cell-Positive, IL7R-Related; IMMUNODEFICIENCY 104, SEVERE COMBINED; Severe combined immunodeficiency, autosomal recessive, T cell-negative, B cell-positive, NK cell-positive. Identifiers: MedGen C5676890, MONDO:0012163, OMIM 608971.

Submission:

Labcorp Genetics (formerly Invitae), Labcorp
Classification: Uncertain significance for Immunodeficiency 104. Last evaluated: 2021-12-02. Review status: criteria provided, single submitter. Criteria: Invitae Variant Classification Sherloc (09022015). Collection method: clinical testing. Allele origin: germline.
Comment: Algorithms developed to predict the effect of missense changes on protein structure and function output the following: SIFT: "Tolerated"; PolyPhen-2: "Possibly Damaging"; Align-GVGD: "Class C0". The serine amino acid residue is found in multiple mammalian species, which suggests that this missense change does not adversely affect protein function. In summary, the available evidence is currently insufficient to determine the role of this variant in disease. Therefore, it has been classified as a Variant of Uncertain Significance. This variant has not been reported in the literature in individuals affected with PTPRC-related conditions. This sequence change replaces proline, which is neutral and non-polar, with serine, which is neutral and polar, at codon 1297 of the PTPRC protein (p.Pro1297Ser). This variant is not present in population databases (gnomAD no frequency).